The following is an entry in ClinVar:

NM_000059.4(BRCA2):c.3442C>T (p.Gln1148Ter)

Gene: BRCA2 (BRCA2 DNA repair associated; plus strand). Cytogenetic location: 13q13.1.
Variant type: single nucleotide variant.
Coding change: c.3442C>T on transcript NM_000059.4 (MANE Select); coding-DNA position 3442, C replaced by T.
Protein change: p.Gln1148Ter; replaces glutamine 1148 with a stop codon.
Molecular consequence: nonsense.
Genome position (GRCh38, 1-based): chr13:32,337,797, C>T. VCF-style: chr13-32337797-C-T. GRCh37 (hg19) VCF-style: chr13-32911934-C-T.
Other names: 3670C>T; short protein forms Q1148*.
Identifiers: ClinVar variation 51464 (VCV000051464.13), dbSNP rs397507667, ClinGen allele CA018022.
Genomic context (GRCh38, chr13:32,337,797, plus strand): 5'-ACTCAGTTTAGAAAACCAAGCTACATATTGCAGAAGAGTACATTTGAAGTGCCTGAAAAC[C>T]AGATGACTATCTTAAAGACCACTTCTGAGGAATGCAGAGATGCTGATCTTCATGTCATAA-3'

ClinVar aggregate classification (germline): Pathogenic. Review status: reviewed by expert panel (3 of 4 stars). 6 submissions from 6 submitters: Pathogenic (1). 5 of the submissions do not count toward it. Last evaluated 2016-10-18.

Conditions:
Breast-ovarian cancer, familial, susceptibility to, 2 (BROVCA2). Also called: BRCA2 Hereditary Breast and Ovarian Cancer. Identifiers: Orphanet 145, MedGen C2675520, MONDO:0012933, OMIM 612555. Disease mechanism: loss of function.
BRCA2-related cancer predisposition. Identifiers: MedGen CN377758, MONDO:0700269.
Hereditary cancer-predisposing syndrome. Also called: Neoplastic Syndromes, Hereditary; Tumor predisposition; Hereditary Cancer Syndrome; Hereditary neoplastic syndrome. Identifiers: Orphanet 140162, MedGen C0027672, MeSH D009386, MONDO:0015356.

Submissions (6):

Evidence-based Network for the Interpretation of Germline Mutant Alleles (ENIGMA)
Classification: Pathogenic for Breast-ovarian cancer, familial, susceptibility to, 2. Last evaluated: 2016-10-18. Review status: reviewed by expert panel. Criteria: ENIGMA BRCA1/2 Classification Criteria (2015). Collection method: curation. Allele origin: germline.
Comment: Variant allele predicted to encode a truncated non-functional protein.

All of Us Research Program, National Institutes of Health
Classification: Pathogenic for BRCA2-related cancer predisposition. Last evaluated: 2024-08-13. Review status: criteria provided, single submitter. Criteria: ACMG Guidelines, 2015. Collection method: clinical testing. Allele origin: germline. Inheritance: Autosomal dominant inheritance. Observed: 1 variant allele, 1 heterozygote. Not counted in ClinVar's aggregate classification.
Comment: This variant changes 1 nucleotide in exon 11 of the BRCA2 gene, creating a premature translation stop signal. This variant is expected to result in an absent or non-functional protein product. This variant has been reported in a family affected with breast and ovarian cancer (PMID: 11802209), and has been reported in 3 families from the CIMBA study (PMID: 29446198). This variant has not been identified in the general population by the Genome Aggregation Database (gnomAD). Loss of BRCA2 function is a known mechanism of disease. Based on the available evidence, this variant is classified as Pathogenic.

This study involves interpretation of variants in research participants for the purpose of population health screening. Participant phenotype was not available at the time of variant classification. Additional details can be found in publication PMID: 35346344, PMCID: PMC8962531

Ambry Genetics
Classification: Pathogenic for Hereditary cancer-predisposing syndrome. Last evaluated: 2023-01-19. Review status: criteria provided, single submitter. Criteria: Ambry Variant Classification Scheme 2023. Collection method: clinical testing. Allele origin: germline. Not counted in ClinVar's aggregate classification.
Comment: The p.Q1148* pathogenic mutation (also known as c.3442C>T), located in coding exon 10 of the BRCA2 gene, results from a C to T substitution at nucleotide position 3442. This changes the amino acid from a glutamine to a stop codon within coding exon 10. This alteration was identified in a large, worldwide study of BRCA1/2 mutation positive families (Rebbeck TR et al. Hum Mutat, 2018 May;39:593-620). This alteration was also detected in 1/989 unrelated individuals from a cohort of German breast/ovarian cancer families (Meindl A et al. Int J Cancer, 2002 Feb;97:472-80). This variant is considered to be rare based on population cohorts in the Genome Aggregation Database (gnomAD). In addition to the clinical data presented in the literature, this alteration is expected to result in loss of function by premature protein truncation or nonsense-mediated mRNA decay. As such, this alteration is interpreted as a disease-causing mutation.

MGZ Medical Genetics Center
Classification: Pathogenic for Breast-ovarian cancer, familial, susceptibility to, 2. Last evaluated: 2021-08-02. Review status: criteria provided, single submitter. Criteria: ACMG Guidelines, 2015. Collection method: clinical testing. Allele origin: germline. Affected: yes. Observed: 1 variant allele. Not counted in ClinVar's aggregate classification.
Comment: ACMG criteria applied: PVS1, PS4, PM1, PM2_SUP, PP4

Consortium of Investigators of Modifiers of BRCA1/2 (CIMBA), c/o University of Cambridge
Classification: Pathogenic for Breast-ovarian cancer, familial, susceptibility to, 2. Last evaluated: 2015-10-02. Review status: criteria provided, single submitter. Criteria: CIMBA Mutation Classification guidelines May 2016. Collection method: clinical testing. Allele origin: germline. Not counted in ClinVar's aggregate classification.

GeneDx
Classification: Pathogenic. Last evaluated: 2014-10-14. Review status: criteria provided, single submitter. Criteria: GeneDx Variant Classification (06012015). Collection method: clinical testing. Allele origin: germline. Affected: yes. Not counted in ClinVar's aggregate classification.
Comment: This pathogenic variant is denoted BRCA2 c.3442C>T at the cDNA level and p.Gln1148Ter (Q1148X) at the protein level. The substitution creates a nonsense variant, which changes a Glutamine to a premature stop codon (CAG>TAG), and is predicted to cause loss of normal protein function through either protein truncation or nonsense-mediated mRNA decay. This variant has been reported in association with breast and/or ovarian cancer (Meindl 2002) and is considered pathogenic.

Literature cited by the submitters: PubMed 11802209 (cited by All of Us Research Program, National Institutes of Health and Ambry Genetics); PubMed 29446198 (cited by All of Us Research Program, National Institutes of Health and Ambry Genetics).